The following is an entry in ClinVar:

ClinVar aggregate classification (germline): Likely pathogenic (1 of 4 stars; one submission).

Conditions:
Polycystic kidney disease, adult type (PKD1). Also called: POLYCYSTIC KIDNEY DISEASE 1 WITH OR WITHOUT POLYCYSTIC LIVER DISEASE; POLYCYSTIC KIDNEY DISEASE, ADULT, TYPE I; Polycystic Kidney Disease 1, Autosomal Dominant; Polycystic kidney disease 1; Polycystic kidney disease 1, severe; Polycystic Kidney, Autosomal Dominant. Identifiers: MedGen C3149841, MONDO:0008263, OMIM 173900.

Submission:

Juno Genomics, Hangzhou Juno Genomics, Inc
Classification: Likely pathogenic for Polycystic kidney disease, adult type. Review status: criteria provided, single submitter. Criteria: ACMG Guidelines, 2015. Collection method: clinical testing. Allele origin: germline. Affected: yes.
Comment: Absent from controls (or at extremely low frequency if recessive) in Genome Aggregation Database.;Null variant in a gene where loss of function (LOF) is a known mechanism of disease.;Patient's phenotype or family history is highly specific for a disease with a single genetic etiology.

NM_001009944.3(PKD1):c.216-2A>G

Gene: PKD1 (polycystin 1, transient receptor potential channel interacting; minus strand). Cytogenetic location: 16p13.3.
Variant type: single nucleotide variant.
Coding change: c.216-2A>G on transcript NM_001009944.3 (MANE Select); the canonical splice acceptor site of the intron before coding-DNA position 216, A replaced by G.
Molecular consequence: splice acceptor variant.
Genome position (GRCh38, 1-based): chr16:2,119,380, T>C on the plus strand (A>G on the coding strand, the complement: PKD1 is on the minus strand). VCF-style: chr16-2119380-T-C. GRCh37 (hg19) VCF-style: chr16-2169381-T-C.
Other names: c.216-2A>G (NM_000296.4).
Identifiers: ClinVar variation 5020037 (VCV005020037.1).
Genomic context (GRCh38, chr16:2,119,380, plus strand): 5'-CCGAGAGGTTCGCCAGGAGCCCAACGTCCAGCGCCCGGAGCAGGTTGTGGGAGACGTCTC[T>C]GAGGAGTGAGTGGCCGTGGGTCAGGGCCAGAGCCCCTAGTAGGCCAGAGGCCATCCCTGG-3'